The following is an entry in ClinVar:

NM_032603.5(LOXL3):c.1472G>A (p.Arg491His)

Gene: LOXL3 (lysyl oxidase like 3; minus strand). Cytogenetic location: 2p13.1.
Variant type: single nucleotide variant.
Coding change: c.1472G>A on transcript NM_032603.5 (MANE Select); coding-DNA position 1472, G replaced by A.
Protein change: p.Arg491His; replaces arginine 491 with histidine.
Molecular consequence: missense variant.
Genome position (GRCh38, 1-based): chr2:74,535,399, C>T on the plus strand (G>A on the coding strand, the complement: LOXL3 is on the minus strand). VCF-style: chr2-74535399-C-T. GRCh37 (hg19) VCF-style: chr2-74762526-C-T.
Other names: c.1037G>A, p.Arg346His (NM_001289164.3); c.389G>A, p.Arg130His (NM_001289165.2); c.1472G>A (NM_032603.2); short protein forms R346H, R130H, R491H.
Identifiers: ClinVar variation 1412142 (VCV001412142.5), dbSNP rs772977368, ClinGen allele CA1728877.

ClinVar aggregate classification (germline): Uncertain significance. Review status: criteria provided, multiple submitters, no conflicts (2 of 4 stars). 2 submissions from 2 submitters: Uncertain significance (2). Last evaluated 2025-03-17.

Allele frequency attached by ClinVar (database versions not stated): gnomAD exomes 0.00005; TOPMed 0.00009; ExAC 0.00004; gnomAD 0.00004.

Submissions (2):

Ambry Genetics
Classification: Uncertain significance. Last evaluated: 2025-03-17. Review status: criteria provided, single submitter. Criteria: Ambry Variant Classification Scheme 2023. Collection method: clinical testing. Allele origin: germline.

Labcorp Genetics (formerly Invitae), Labcorp
Classification: Uncertain significance. Last evaluated: 2023-08-04. Review status: criteria provided, single submitter. Criteria: Invitae Variant Classification Sherloc (09022015). Collection method: clinical testing. Allele origin: germline.
Comment: In summary, the available evidence is currently insufficient to determine the role of this variant in disease. Therefore, it has been classified as a Variant of Uncertain Significance. Algorithms developed to predict the effect of missense changes on protein structure and function output the following: SIFT: "Not Available"; PolyPhen-2: "Benign"; Align-GVGD: "Not Available". The histidine amino acid residue is found in multiple mammalian species, which suggests that this missense change does not adversely affect protein function. ClinVar contains an entry for this variant (Variation ID: 1412142). This variant has not been reported in the literature in individuals affected with LOXL3-related conditions. This variant is present in population databases (rs772977368, gnomAD 0.03%). This sequence change replaces arginine, which is basic and polar, with histidine, which is basic and polar, at codon 491 of the LOXL3 protein (p.Arg491His).